The following is an entry in ClinVar:

ClinVar aggregate classification (germline): Uncertain significance (1 of 4 stars; one submission).

Conditions:
Hereditary cancer-predisposing syndrome. Also called: Neoplastic Syndromes, Hereditary; Tumor predisposition; Hereditary neoplastic syndrome; Hereditary Cancer Syndrome. Identifiers: Orphanet 140162, MedGen C0027672, MeSH D009386, MONDO:0015356.

Submission:

Ambry Genetics
Classification: Uncertain significance for Hereditary cancer-predisposing syndrome. Last evaluated: 2023-01-03. Review status: criteria provided, single submitter. Criteria: Ambry Variant Classification Scheme 2023. Collection method: clinical testing. Allele origin: germline.
Comment: The p.T234A variant (also known as c.700A>G), located in coding exon 7 of the EPCAM gene, results from an A to G substitution at nucleotide position 700. The threonine at codon 234 is replaced by alanine, an amino acid with similar properties. This amino acid position is conserved. In addition, this alteration is predicted to be tolerated by in silico analysis. Since supporting evidence is limited at this time, the clinical significance of this alteration remains unclear.

NM_002354.3(EPCAM):c.700A>G (p.Thr234Ala)

Gene: EPCAM (epithelial cell adhesion molecule; plus strand). Cytogenetic location: 2p21.
Variant type: single nucleotide variant.
Coding change: c.700A>G on transcript NM_002354.3 (MANE Select); coding-DNA position 700, A replaced by G.
Protein change: p.Thr234Ala; replaces threonine 234 with alanine.
Molecular consequence: missense variant.
Genome position (GRCh38, 1-based): chr2:47,379,811, A>G. VCF-style: chr2-47379811-A-G. GRCh37 (hg19) VCF-style: chr2-47606950-A-G.
Other names: short protein forms T234A.
Identifiers: ClinVar variation 2452159 (VCV002452159.2), dbSNP rs2103758862, ClinGen allele CA346724412.